The following is an entry in ClinVar:

ClinVar aggregate classification (germline): Pathogenic/Likely pathogenic. Review status: criteria provided, multiple submitters, no conflicts (2 of 4 stars). 4 submissions from 4 submitters: Pathogenic (2); Likely pathogenic (2). Last evaluated 2025-12-15.

Conditions:
Rare genetic deafness. Identifiers: Orphanet 96210, MedGen C5680250.
Autosomal recessive nonsyndromic hearing loss 1A (DFNB1A). Also called: GJB6-Related DFNB 1 Nonsyndromic Hearing Loss and Deafness; Deafness, autosomal recessive 1A; Connexin 26 deafness; Deafness nonsyndromic, Connexin 26 linked; GJB2-Related Autosomal Recessive Nonsyndromic Hearing Loss; Nonsyndromic Hearing Loss and Deafness, DFNB1. Identifiers: Orphanet 90636, MedGen C2673759, MONDO:0009076, OMIM 220290.

Submissions (4):

Natera, Inc.
Classification: Likely pathogenic for Autosomal recessive deafness type 1A. Last evaluated: 2025-12-15. Review status: criteria provided, single submitter. Criteria: Natera Variant Classification Schema (03/2026). Collection method: clinical testing. Allele origin: germline.
Comment: The c.523_533delCCCAACACTGT variant in GJB2 is a frameshift variant predicted to shift the reading frame beginning at codon 175 and leads to a stop codon 31 codons downstream. This variant is expected to result in nonsense mediated decay, truncation, or a dysfunctional protein product. This variant is rare in the general population with a frequency below the threshold expected for the associated phenotype(s). Given the available evidence, this variant is classified as Likely Pathogenic.

GeneDx
Classification: Likely pathogenic. Last evaluated: 2024-07-25. Review status: criteria provided, single submitter. Criteria: GeneDx Variant Classification Process June 2021. Collection method: clinical testing. Allele origin: germline. Affected: yes.
Comment: Frameshift variant predicted to result in abnormal protein length as the last 52 amino acids are replaced with 30 different amino acids, and other similar variants have been reported in HGMD; Has not been previously published as pathogenic or benign in association with hearing loss to our knowledge; This variant is associated with the following publications: (PMID: 29625052, 36451132, 38790217)

Labcorp Genetics (formerly Invitae), Labcorp
Classification: Pathogenic. Last evaluated: 2022-08-22. Review status: criteria provided, single submitter. Criteria: Invitae Variant Classification Sherloc (09022015). Collection method: clinical testing. Allele origin: germline.
Comment: For these reasons, this variant has been classified as Pathogenic. This variant disrupts a region of the GJB2 protein in which other variant(s) (p.Cys211Leufs*5) have been determined to be pathogenic (PMID: 9529365, 12910486, 20863150). This suggests that this is a clinically significant region of the protein, and that variants that disrupt it are likely to be disease-causing. ClinVar contains an entry for this variant (Variation ID: 228350). This variant has not been reported in the literature in individuals affected with GJB2-related conditions. This variant is present in population databases (no rsID available, gnomAD 0.01%). This sequence change creates a premature translational stop signal (p.Pro175Glyfs*31) in the GJB2 gene. While this is not anticipated to result in nonsense mediated decay, it is expected to disrupt the last 52 amino acid(s) of the GJB2 protein.

Laboratory for Molecular Medicine, Mass General Brigham Personalized Medicine
Classification: Pathogenic for Rare genetic deafness. Last evaluated: 2016-04-07. Review status: criteria provided, single submitter. Criteria: LMM Criteria. Collection method: clinical testing. Allele origin: germline. Inheritance: Autosomal recessive inheritance. Observed: 2 variant alleles.
Comment: The p.Pro175fs variant in GJB2 has not been previously reported in individuals w ith hearing loss. This variant was absent from large population studies, though the ability of these studies to accurately detect indels may be limited. This va riant is predicted to cause a frameshift, which alters the protein?s amino acid sequence beginning at position 175 and leads to a premature termination codon 31 amino acids downstream. This alteration is then predicted to lead to a truncate d or unstable protein. In summary, this variant meets the criteria to be classif ied as pathogenic for autosomal recessive hearing loss based on the predicted im pact of the variant.

Literature cited by the submitters: PubMed 9529365 (cited by Labcorp Genetics (formerly Invitae), Labcorp); PubMed 12910486 (cited by Labcorp Genetics (formerly Invitae), Labcorp); PubMed 20863150 (cited by Labcorp Genetics (formerly Invitae), Labcorp).

NM_004004.6(GJB2):c.523_533del (p.Pro175fs)

Gene: GJB2 (gap junction protein beta 2; minus strand). Cytogenetic location: 13q12.11.
Variant type: Deletion.
Coding change: c.523_533del on transcript NM_004004.6 (MANE Select); coding-DNA positions 523 to 533, 11 bases deleted (CCCAACACTGT).
Protein change: p.Pro175fs; shifts the reading frame from proline 175.
Molecular consequence: frameshift variant.
Genome position (GRCh38, 1-based): chr13:20,189,049-20,189,059, ACAGTGTTGGG deleted on the plus strand (CCCAACACTGT on the coding strand, the reverse complement: GJB2 is on the minus strand); deleting any 11 consecutive bases within chr13:20,189,049-20,189,062 gives the same sequence; the c. name uses the placement nearest the transcript's 3' end. VCF-style (leftmost placement, unchanged base first): chr13-20189048-CACAGTGTTGGG-C. GRCh37 (hg19) VCF-style: chr13-20763187-CACAGTGTTGGG-C.
Other names: c.523_533delCCCAACACTGT (NM_004004.5); short protein forms P175fs.
Identifiers: ClinVar variation 228350 (VCV000228350.15), dbSNP rs876657693, ClinGen allele CA10576936.
Genomic context (GRCh38, chr13:20,189,048, plus strand): 5'-CACTGCAATCATGAACACTGTGAAGACAGTCTTCTCCGTGGGCCGGGACACAAAGCAGTC[CACAGTGTTGGG>C]ACAAGGCCAGGCGTTGCACTTCACCAGCCGCTGCATGGAGAAGCCGTCGTACATGACATA-3'